The following is an entry in ClinVar:

ClinVar aggregate classification (germline): Uncertain significance (1 of 4 stars; one submission).

Conditions:
Wilms tumor 1 (WT1). Also called: Wilms tumor, somatic. Identifiers: Orphanet 654, MedGen CN033288, MONDO:0008679, OMIM 194070.
Frasier syndrome. Identifiers: Orphanet 347, MedGen C0950122, MeSH D052159, MONDO:0007635, OMIM 136680.
Drash syndrome (DDS). Also called: NEPHROPATHY, WILMS TUMOR, AND GENITAL ANOMALIES; WILMS TUMOR AND PSEUDO- OR TRUE HERMAPHRODITISM. Identifiers: Orphanet 220, MedGen C0950121, MONDO:0008682, OMIM 194080.
11p partial monosomy syndrome (WAGR). Also called: CHROMOSOME 11p13 DELETION SYNDROME; WAGR syndrome; WAGR Complex; WAGR Spectrum Disorder. Identifiers: Orphanet 893, MedGen C0206115, MONDO:0008681, OMIM 194072.

Submission:

Labcorp Genetics (formerly Invitae), Labcorp
Classification: Uncertain significance for Wilms tumor 1; Drash syndrome; 11p partial monosomy syndrome; Frasier syndrome. Last evaluated: 2024-08-11. Review status: criteria provided, single submitter. Criteria: Invitae Variant Classification Sherloc (09022015). Collection method: clinical testing. Allele origin: germline.
Comment: This sequence change replaces proline, which is neutral and non-polar, with alanine, which is neutral and non-polar, at codon 122 of the WT1 protein (p.Pro122Ala). This variant is not present in population databases (gnomAD no frequency). This variant has not been reported in the literature in individuals affected with WT1-related conditions. An algorithm developed to predict the effect of missense changes on protein structure and function (PolyPhen-2) suggests that this variant is likely to be disruptive. In summary, the available evidence is currently insufficient to determine the role of this variant in disease. Therefore, it has been classified as a Variant of Uncertain Significance.

NM_024426.6(WT1):c.379C>G (p.Pro127Ala)

Genes: WT1 (WT1 transcription factor; minus strand), LOC107982234 (WT1/WT1-AS bi-directional promoter region; plus strand). Cytogenetic location: 11p13.
Variant type: single nucleotide variant.
Coding change: c.379C>G on transcript NM_024426.6 (MANE Select); coding-DNA position 379, C replaced by G.
Protein change: p.Pro127Ala; replaces proline 127 with alanine.
Molecular consequence: missense variant. On other transcripts: non-coding transcript variant (2).
Genome position (GRCh38, 1-based): chr11:32,434,982, G>C on the plus strand (C>G on the coding strand, the complement: WT1 is on the minus strand). VCF-style: chr11-32434982-G-C. GRCh37 (hg19) VCF-style: chr11-32456528-G-C.
Other names: c.379C>G, p.Pro127Ala (NM_000378.6, NM_001407044.1, NM_001407045.1 and 6 more transcripts); c.160C>G, p.Pro54Ala (NM_001429031.1, NM_001429032.1, NM_001429033.1 and 1 more transcripts); short protein forms P122A, P127A, P54A.
Identifiers: ClinVar variation 3760643 (VCV003760643.2).